The following is an entry in ClinVar:

NC_000006.11:g.(?_123658744)_(123760168_?)dup

Gene: TRDN (triadin; minus strand). Cytogenetic location: 6q22.31.
Variant type: Duplication.
Identifiers: ClinVar variation 1450750 (VCV001450750.42).

ClinVar aggregate classification (germline): Uncertain significance (1 of 4 stars; one submission).

Conditions:
Catecholaminergic polymorphic ventricular tachycardia 1. Also called: VENTRICULAR TACHYCARDIA, STRESS-INDUCED POLYMORPHIC 1; VENTRICULAR TACHYCARDIA, CATECHOLAMINERGIC POLYMORPHIC, 1, WITH OR WITHOUT ATRIAL DYSFUNCTION AND/OR DILATED CARDIOMYOPATHY; RYR2-Related Catecholaminergic Polymorphic Ventricular Tachycardia. Identifiers: Orphanet 3286, MedGen C1631597, MONDO:0011484, OMIM 604772.

Submission:

Labcorp Genetics (formerly Invitae), Labcorp
Classification: Uncertain significance for Catecholaminergic polymorphic ventricular tachycardia 1. Last evaluated: 2022-10-13. Review status: criteria provided, single submitter. Criteria: Invitae Variant Classification Sherloc (09022015). Collection method: clinical testing. Allele origin: germline.
Comment: This variant results in a copy number gain of the genomic region encompassing exon(s) 11-22 of the TRDN gene. While the exact position of this variant cannot be determined from the data, sub-genic copy number gains are generally in tandem (PMID: 25640679). This variant is predicted to be in-frame, and likely preserves the integrity of the reading frame. This variant has not been reported in the literature in individuals affected with TRDN-related conditions. Experimental studies and prediction algorithms are not available or were not evaluated, and the functional significance of this variant is currently unknown. In summary, the available evidence is currently insufficient to determine the role of this variant in disease. Therefore, it has been classified as a Variant of Uncertain Significance.

Literature cited by the submitters: PubMed 25640679.